The following is an entry in ClinVar:

NM_004369.4(COL6A3):c.6064-71A>G

Gene: COL6A3 (collagen type VI alpha 3 chain; minus strand). Cytogenetic location: 2q37.3.
Variant type: single nucleotide variant.
Coding change: c.6064-71A>G on transcript NM_004369.4 (MANE Select); 71 bases into the intron before coding-DNA position 6064, A replaced by G.
Molecular consequence: intron variant.
Genome position (GRCh38, 1-based): chr2:237,361,902, T>C on the plus strand (A>G on the coding strand, the complement: COL6A3 is on the minus strand). VCF-style: chr2-237361902-T-C. GRCh37 (hg19) VCF-style: chr2-238270545-T-C.
Other names: c.4243-71A>G (NM_057166.5); c.5446-71A>G (NM_057167.4).
Identifiers: ClinVar variation 1292442 (VCV001292442.5), dbSNP rs3736341, ClinGen allele CA11266356.

ClinVar aggregate classification (germline): Benign. Review status: criteria provided, multiple submitters, no conflicts (2 of 4 stars). 3 submissions from 3 submitters: Benign (3). Last evaluated 2024-07-31.

Allele frequency attached by ClinVar (database versions not stated): gnomAD 0.06152 and 0.06597; TOPMed 0.07796; 1000 Genomes Project 0.13199; 1000 Genomes Project 30x 0.13304.
gnomAD v4.1: 66,909 of 1,345,092 alleles (5%); highest among the groups gnomAD compares: East Asian, 26%; 4,620 homozygotes.

Submissions (3):

Unidad de Genómica Garrahan, Hospital de Pediatría Garrahan
Classification: Benign. Last evaluated: 2024-07-31. Review status: criteria provided, single submitter. Criteria: ACMG Guidelines, 2015. Collection method: clinical testing. Allele origin: germline. Affected: no. Observed: 37 variant alleles.
Comment: This variant is classified as Benign based on local population frequency. This variant was detected in 40% of patients studied in a panel designed for Epileptic and Developmental Encephalopathy, Progressive Myoclonus Epilepsy and Abnormal Movements and Neurodegeneration with brain iron accumulation. Number of patients: 37. Only high quality variants are reported.

GeneDx
Classification: Benign. Last evaluated: 2018-06-26. Review status: criteria provided, single submitter. Criteria: GeneDx Variant Classification Process June 2021. Collection method: clinical testing. Allele origin: germline. Affected: yes.

Breakthrough Genomics
Classification: Benign. Review status: criteria provided, single submitter. Criteria: ACMG Guidelines, 2015. Collection method: not provided. Allele origin: germline. Inheritance: Autosomal recessive inheritance. Affected: yes.